The following is an entry in ClinVar:

NM_006767.4(LZTR1):c.2303T>G (p.Val768Gly)

Gene: LZTR1 (leucine zipper like post translational regulator 1; plus strand). Cytogenetic location: 22q11.21.
Variant type: single nucleotide variant.
Coding change: c.2303T>G on transcript NM_006767.4 (MANE Select); coding-DNA position 2303, T replaced by G.
Protein change: p.Val768Gly; replaces valine 768 with glycine.
Molecular consequence: missense variant.
Genome position (GRCh38, 1-based): chr22:20,996,779, T>G. VCF-style: chr22-20996779-T-G. GRCh37 (hg19) VCF-style: chr22-21351068-T-G.
Other names: short protein forms V768G.
Identifiers: ClinVar variation 3238230 (VCV003238230.1), dbSNP rs2518625791.

ClinVar aggregate classification (germline): Uncertain significance (1 of 4 stars; one submission).

Conditions:
Hereditary cancer-predisposing syndrome. Also called: Neoplastic Syndromes, Hereditary; Tumor predisposition; Hereditary neoplastic syndrome; Hereditary Cancer Syndrome. Identifiers: Orphanet 140162, MedGen C0027672, MeSH D009386, MONDO:0015356.
Cardiovascular phenotype. Identifiers: MedGen CN230736.

Submission:

Ambry Genetics
Classification: Uncertain significance for Cardiovascular phenotype; Hereditary cancer-predisposing syndrome. Last evaluated: 2023-03-15. Review status: criteria provided, single submitter. Criteria: Ambry Variant Classification Scheme 2023. Collection method: clinical testing. Allele origin: germline.
Comment: The p.V768G variant (also known as c.2303T>G), located in coding exon 19 of the LZTR1 gene, results from a T to G substitution at nucleotide position 2303. The valine at codon 768 is replaced by glycine, an amino acid with dissimilar properties. This amino acid position is conserved. In addition, this alteration is predicted to be deleterious by in silico analysis. Since supporting evidence is limited at this time, the clinical significance of this alteration remains unclear.